The following is an entry in ClinVar:

NM_024675.4(PALB2):c.9G>A (p.Glu3=)

Gene: PALB2 (partner and localizer of BRCA2; minus strand). Cytogenetic location: 16p12.2.
Variant type: single nucleotide variant.
Coding change: c.9G>A on transcript NM_024675.4 (MANE Select); coding-DNA position 9, G replaced by A.
Protein change: p.Glu3=; no amino-acid change (glutamic acid 3 retained).
Molecular consequence: synonymous variant.
Genome position (GRCh38, 1-based): chr16:23,641,149, C>T on the plus strand (G>A on the coding strand, the complement: PALB2 is on the minus strand). VCF-style: chr16-23641149-C-T. GRCh37 (hg19) VCF-style: chr16-23652470-C-T.
Identifiers: ClinVar variation 185627 (VCV000185627.27), dbSNP rs786202325, ClinGen allele CA192457.

ClinVar aggregate classification (germline): Benign/Likely benign. Review status: criteria provided, multiple submitters, no conflicts (2 of 4 stars). 7 submissions from 7 submitters: Benign (1); Likely benign (6). Last evaluated 2025-12-17.

Conditions:
Hereditary cancer-predisposing syndrome. Also called: Hereditary neoplastic syndrome; Neoplastic Syndromes, Hereditary; Tumor predisposition; Hereditary Cancer Syndrome. Identifiers: Orphanet 140162, MedGen C0027672, MeSH D009386, MONDO:0015356.
Familial cancer of breast. Also called: BREAST CANCER, FAMILIAL; Hereditary breast cancer; hereditary breast carcinoma. Identifiers: Orphanet 227535, MedGen C0346153, MONDO:0016419, OMIM 114480. Disease mechanism: loss of function.

gnomAD v4.1: 7 of 1,613,180 alleles (0.00043%); highest among the groups gnomAD compares: Non-Finnish European, 0.00059%; no homozygotes.

Submissions (7):

Labcorp Genetics (formerly Invitae), Labcorp
Classification: Likely benign for Familial cancer of breast. Last evaluated: 2025-12-17. Review status: criteria provided, single submitter. Criteria: Invitae Variant Classification Sherloc (09022015). Collection method: clinical testing. Allele origin: germline.

Myriad Genetics, Inc.
Classification: Benign for Familial cancer of breast. Last evaluated: 2025-01-09. Review status: criteria provided, single submitter. Criteria: Myriad Autosomal Dominant, Autosomal Recessive and X-Linked Classification Criteria (2023). Collection method: clinical testing. Allele origin: unknown.
Comment: This variant is considered benign. This variant is a silent/synonymous amino acid change and it is not expected to impact splicing.

Quest Diagnostics Nichols Institute San Juan Capistrano
Classification: Likely benign. Last evaluated: 2023-07-13. Review status: criteria provided, single submitter. Criteria: Quest Diagnostics criteria. Collection method: clinical testing. Allele origin: unknown.

GeneDx
Classification: Likely benign. Last evaluated: 2020-07-27. Review status: criteria provided, single submitter. Criteria: GeneDx Variant Classification Process June 2021. Collection method: clinical testing. Allele origin: germline. Affected: yes.

ARUP Laboratories, Molecular Genetics and Genomics, ARUP Laboratories
Classification: Likely benign. Last evaluated: 2018-11-24. Review status: criteria provided, single submitter. Criteria: ARUP Molecular Germline Variant Investigation Process. Collection method: clinical testing. Allele origin: germline.

Color Diagnostics, LLC DBA Color Health
Classification: Likely benign for Hereditary cancer-predisposing syndrome. Last evaluated: 2018-01-19. Review status: criteria provided, single submitter. Criteria: ACMG Guidelines, 2015. Collection method: clinical testing. Allele origin: germline.

Ambry Genetics
Classification: Likely benign for Hereditary cancer-predisposing syndrome. Last evaluated: 2014-07-25. Review status: criteria provided, single submitter. Criteria: Ambry Variant Classification Scheme 2023. Collection method: clinical testing. Allele origin: germline.